The following is an entry in ClinVar:

NM_001134407.3(GRIN2A):c.2663C>G (p.Thr888Arg)

Gene: GRIN2A (glutamate ionotropic receptor NMDA type subunit 2A; minus strand). Cytogenetic location: 16p13.2.
Variant type: single nucleotide variant.
Coding change: c.2663C>G on transcript NM_001134407.3 (MANE Select); coding-DNA position 2663, C replaced by G.
Protein change: p.Thr888Arg; replaces threonine 888 with arginine.
Molecular consequence: missense variant.
Genome position (GRCh38, 1-based): chr16:9,764,881, G>C on the plus strand (C>G on the coding strand, the complement: GRIN2A is on the minus strand). VCF-style: chr16-9764881-G-C. GRCh37 (hg19) VCF-style: chr16-9858738-G-C.
Other names: c.2663C>G, p.Thr888Arg (NM_000833.5, NM_001134408.2); short protein forms T888R.
Identifiers: ClinVar variation 1038751 (VCV001038751.11), dbSNP rs149698593, ClinGen allele CA394709627.

ClinVar aggregate classification (germline): Conflicting classifications of pathogenicity. Review status: criteria provided, conflicting classifications (1 of 4 stars). 2 submissions from 2 submitters: Uncertain significance (1); Likely benign (1). Last evaluated 2025-11-10.

Conditions:
Inborn genetic diseases. Identifiers: MedGen C0950123, MeSH D030342.
Landau-Kleffner syndrome (FESD). Also called: APHASIA, ACQUIRED, WITH EPILEPSY; EPILEPSY, FOCAL, WITH SPEECH DISORDER AND WITH OR WITHOUT MENTAL RETARDATION. Identifiers: Orphanet 1945, Orphanet 725, Orphanet 98818, MedGen C0282512, MONDO:0009509, OMIM 245570.

gnomAD v4.1: 3 of 1,613,980 alleles (0.00019%); highest among the groups gnomAD compares: African/African-American, 0.0013%; no homozygotes.

Submissions (2):

Labcorp Genetics (formerly Invitae), Labcorp
Classification: Likely benign for Landau-Kleffner syndrome. Last evaluated: 2025-11-10. Review status: criteria provided, single submitter. Criteria: Invitae Variant Classification Sherloc (09022015). Collection method: clinical testing. Allele origin: germline.

Ambry Genetics
Classification: Uncertain significance for Inborn genetic diseases. Last evaluated: 2018-11-12. Review status: criteria provided, single submitter. Criteria: Ambry Variant Classification Scheme 2023. Collection method: clinical testing. Allele origin: germline.
Comment: The p.T888R variant (also known as c.2663C>G), located in coding exon 12 of the GRIN2A gene, results from a C to G substitution at nucleotide position 2663. The threonine at codon 888 is replaced by arginine, an amino acid with similar properties. This amino acid position is highly conserved in available vertebrate species. In addition, the in silico prediction for this alteration is inconclusive. Since supporting evidence is limited at this time, the clinical significance of this alteration remains unclear.